The following is an entry in ClinVar:

NM_004525.3(LRP2):c.11219A>C (p.Asp3740Ala)

Gene: LRP2 (LDL receptor related protein 2; minus strand). Cytogenetic location: 2q31.1.
Variant type: single nucleotide variant.
Coding change: c.11219A>C on transcript NM_004525.3 (MANE Select); coding-DNA position 11219, A replaced by C.
Protein change: p.Asp3740Ala; replaces aspartic acid 3740 with alanine.
Molecular consequence: missense variant.
Genome position (GRCh38, 1-based): chr2:169,172,059, T>G on the plus strand (A>C on the coding strand, the complement: LRP2 is on the minus strand). VCF-style: chr2-169172059-T-G. GRCh37 (hg19) VCF-style: chr2-170028569-T-G.
Other names: c.11219A>C (NM_004525.2); short protein forms D3740A.
Identifiers: ClinVar variation 1406789 (VCV001406789.6), dbSNP rs1687026224, ClinGen allele CA349142801.

ClinVar aggregate classification (germline): Uncertain significance. Review status: criteria provided, multiple submitters, no conflicts (2 of 4 stars). 3 submissions from 3 submitters: Uncertain significance (3). Last evaluated 2026-03-31.

Conditions:
Donnai-Barrow syndrome. Also called: DBS/FOAR SYNDROME; FACIOOCULOACOUSTICORENAL SYNDROME. Identifiers: Orphanet 2143, MedGen C1857277, MONDO:0009104, OMIM 222448.
LRP2-related disorder. Also called: LRP2-related condition.

Allele frequency attached by ClinVar (database versions not stated): gnomAD exomes 0.00001; TOPMed 0.00001.
gnomAD v4.1: 18 of 1,614,190 alleles (0.0011%); highest among the groups gnomAD compares: Non-Finnish European, 0.0014%; no homozygotes.

Submissions (3):

PreventionGenetics, part of Exact Sciences
Classification: Uncertain significance for LRP2-related condition. Last evaluated: 2026-03-31. Review status: criteria provided, single submitter. Criteria: ACMG Guidelines, 2015. Collection method: clinical testing. Allele origin: germline.
Comment: The LRP2 c.11219A>C variant is predicted to result in the amino acid substitution p.Asp3740Ala. To our knowledge, this variant has not been reported in the literature or in a large population database (gnomAD), indicating this variant is rare. At this time, the clinical significance of this variant is uncertain due to the absence of conclusive functional and genetic evidence.

Fulgent Genetics
Classification: Uncertain significance for Donnai-Barrow syndrome. Last evaluated: 2024-04-08. Review status: criteria provided, single submitter. Criteria: ACMG Guidelines, 2015. Collection method: clinical testing. Allele origin: germline.

Labcorp Genetics (formerly Invitae), Labcorp
Classification: Uncertain significance. Last evaluated: 2023-11-13. Review status: criteria provided, single submitter. Criteria: Invitae Variant Classification Sherloc (09022015). Collection method: clinical testing. Allele origin: germline.
Comment: This sequence change replaces aspartic acid, which is acidic and polar, with alanine, which is neutral and non-polar, at codon 3740 of the LRP2 protein (p.Asp3740Ala). This variant is not present in population databases (gnomAD no frequency). This variant has not been reported in the literature in individuals affected with LRP2-related conditions. ClinVar contains an entry for this variant (Variation ID: 1406789). Advanced modeling of protein sequence and biophysical properties (such as structural, functional, and spatial information, amino acid conservation, physicochemical variation, residue mobility, and thermodynamic stability) performed at Invitae indicates that this missense variant is expected to disrupt LRP2 protein function with a positive predictive value of 95%. In summary, the available evidence is currently insufficient to determine the role of this variant in disease. Therefore, it has been classified as a Variant of Uncertain Significance.